The following is an entry in ClinVar:

ClinVar aggregate classification (germline): Likely pathogenic (1 of 4 stars; one submission).

Conditions:
Glycine encephalopathy. Also called: Non-ketotic hyperglycinemia; Nonketotic hyperglycinemia. Identifiers: Orphanet 407, MedGen C0751748, MONDO:0011612, HP:0008288.

Submission:

Labcorp Genetics (formerly Invitae), Labcorp
Classification: Likely pathogenic for Glycine encephalopathy. Last evaluated: 2022-11-29. Review status: criteria provided, single submitter. Criteria: Invitae Variant Classification Sherloc (09022015). Collection method: clinical testing. Allele origin: germline.
Comment: Advanced modeling of protein sequence and biophysical properties (such as structural, functional, and spatial information, amino acid conservation, physicochemical variation, residue mobility, and thermodynamic stability) performed at Invitae indicates that this missense variant is expected to disrupt AMT protein function. In summary, the currently available evidence indicates that the variant is pathogenic, but additional data are needed to prove that conclusively. Therefore, this variant has been classified as Likely Pathogenic. This sequence change replaces methionine, which is neutral and non-polar, with arginine, which is basic and polar, at codon 98 of the AMT protein (p.Met98Arg). ClinVar contains an entry for this variant (Variation ID: 1488817). This missense change has been observed in individual(s) with glycine encephalopathy (PMID: 27362913). This variant is not present in population databases (gnomAD no frequency).

Literature cited by the submitters: PubMed 27362913.

NM_000481.4(AMT):c.293T>G (p.Met98Arg)

Gene: AMT (aminomethyltransferase; minus strand). Cytogenetic location: 3p21.31.
Variant type: single nucleotide variant.
Coding change: c.293T>G on transcript NM_000481.4 (MANE Select); coding-DNA position 293, T replaced by G.
Protein change: p.Met98Arg; replaces methionine 98 with arginine.
Molecular consequence: missense variant. On other transcripts: non-coding transcript variant (1).
Genome position (GRCh38, 1-based): chr3:49,421,538, A>C on the plus strand (T>G on the coding strand, the complement: AMT is on the minus strand). VCF-style: chr3-49421538-A-C. GRCh37 (hg19) VCF-style: chr3-49458971-A-C.
Other names: c.293T>G, p.Met98Arg (NM_001164710.2, NM_001164712.2); c.125T>G, p.Met42Arg (NM_001164711.2); short protein forms M42R, M98R.
Identifiers: ClinVar variation 1488817 (VCV001488817.8), dbSNP rs2107935989, ClinGen allele CA352790921.